The following is an entry in ClinVar:

ClinVar aggregate classification (germline): Uncertain significance (1 of 4 stars; one submission).

Conditions:
Compton-North congenital myopathy (CMYO12). Identifiers: Orphanet 210163, MedGen C2675527, MONDO:0012929, OMIM 612540.

Allele frequency attached by ClinVar (database versions not stated): gnomAD 0.00001; TOPMed 0.00001; ExAC 0.00002; gnomAD exomes 0.00002.
gnomAD v4.1: 29 of 1,611,982 alleles (0.0018%); highest among the groups gnomAD compares: South Asian, 0.0055%; no homozygotes.

Submission:

Labcorp Genetics (formerly Invitae), Labcorp
Classification: Uncertain significance for Compton-North congenital myopathy. Last evaluated: 2022-04-04. Review status: criteria provided, single submitter. Criteria: Invitae Variant Classification Sherloc (09022015). Collection method: clinical testing. Allele origin: germline.
Comment: This sequence change affects codon 806 of the CNTN1 mRNA. It is a 'silent' change, meaning that it does not change the encoded amino acid sequence of the CNTN1 protein. It affects a nucleotide within the consensus splice site. This variant is present in population databases (rs761617535, gnomAD 0.01%). This variant has not been reported in the literature in individuals affected with CNTN1-related conditions. Algorithms developed to predict the effect of sequence changes on RNA splicing suggest that this variant is not likely to affect RNA splicing. In summary, the available evidence is currently insufficient to determine the role of this variant in disease. Therefore, it has been classified as a Variant of Uncertain Significance.

NM_001843.4(CNTN1):c.2418C>T (p.Asp806=)

Gene: CNTN1 (contactin 1; plus strand). Cytogenetic location: 12q12.
Variant type: single nucleotide variant.
Coding change: c.2418C>T on transcript NM_001843.4 (MANE Select); coding-DNA position 2418, C replaced by T.
Protein change: p.Asp806=; no amino-acid change (aspartic acid 806 retained).
Molecular consequence: synonymous variant.
Genome position (GRCh38, 1-based): chr12:41,016,915, C>T. VCF-style: chr12-41016915-C-T. GRCh37 (hg19) VCF-style: chr12-41410717-C-T.
Other names: c.2385C>T, p.Asp795= (NM_175038.2).
Identifiers: ClinVar variation 1918057 (VCV001918057.2), dbSNP rs761617535, ClinGen allele CA6517116.